The following is an entry in ClinVar:

NM_001001557.4(GDF6):c.89C>T (p.Ser30Phe)

Gene: GDF6 (growth differentiation factor 6; minus strand). Cytogenetic location: 8q22.1.
Variant type: single nucleotide variant.
Coding change: c.89C>T on transcript NM_001001557.4 (MANE Select); coding-DNA position 89, C replaced by T.
Protein change: p.Ser30Phe; replaces serine 30 with phenylalanine.
Molecular consequence: missense variant.
Genome position (GRCh38, 1-based): chr8:96,160,604, G>A on the plus strand (C>T on the coding strand, the complement: GDF6 is on the minus strand). VCF-style: chr8-96160604-G-A. GRCh37 (hg19) VCF-style: chr8-97172832-G-A.
Other names: short protein forms S30F.
Identifiers: ClinVar variation 3760364 (VCV003760364.2).
Genomic context (GRCh38, chr8:96,160,604, plus strand): 5'-TTGCCTTCCTTGCGGCTTCGCATGCCCTTGGTGGAACCCAGCTCGGCGGACGACGAGGAG[G>A]ATGAGATGGAAGCCTGCTGGAAACCGGGCAAATCCCACAGAAAACTGATGAGGAAGACGG-3'
Protein context (NP_001001557.1, residues 20-40): LPGFQQASIS[Ser30Phe]SSSSAELGST

ClinVar aggregate classification (germline): Uncertain significance (1 of 4 stars; one submission).

Conditions:
Microphthalmia, isolated, with coloboma 6 (MCOPCB6). Also called: Microphthalmia with coloboma 6, digenic; Microphthalmia with coloboma 6; MICROPHTHALMIA/COLOBOMA 6. Identifiers: Orphanet 98938, MedGen C3150968, MONDO:0013376, OMIM 613703.
Leber congenital amaurosis 17 (LCA17). Identifiers: Orphanet 65, MedGen C3715164, MONDO:0014145, OMIM 615360.
Isolated microphthalmia 4. Identifiers: Orphanet 2542, MedGen C2751307, MONDO:0013130, OMIM 613094.
Klippel-Feil syndrome 1, autosomal dominant (KFS1). Also called: CERVICAL VERTEBRAL FUSION, AUTOSOMAL DOMINANT. Identifiers: Orphanet 2345, MedGen C1861689, MONDO:0007306, OMIM 118100.

Submission:

Labcorp Genetics (formerly Invitae), Labcorp
Classification: Uncertain significance for Isolated microphthalmia 4; Leber congenital amaurosis 17; Klippel-Feil syndrome 1, autosomal dominant; Microphthalmia, isolated, with coloboma 6. Last evaluated: 2025-07-24. Review status: criteria provided, single submitter. Criteria: Invitae Variant Classification Sherloc (09022015). Collection method: clinical testing. Allele origin: germline.
Comment: This sequence change replaces serine, which is neutral and polar, with phenylalanine, which is neutral and non-polar, at codon 30 of the GDF6 protein (p.Ser30Phe). This variant is not present in population databases (gnomAD no frequency). This variant has not been reported in the literature in individuals affected with GDF6-related conditions. ClinVar contains an entry for this variant (Variation ID: 3760364). An algorithm developed to predict the effect of missense changes on protein structure and function (PolyPhen-2) suggests that this variant is likely to be disruptive. In summary, the available evidence is currently insufficient to determine the role of this variant in disease. Therefore, it has been classified as a Variant of Uncertain Significance.